The following is an entry in ClinVar:

NM_014244.5(ADAMTS2):c.2080T>C (p.Cys694Arg)

Gene: ADAMTS2 (ADAM metallopeptidase with thrombospondin type 1 motif 2; minus strand). Cytogenetic location: 5q35.3.
Variant type: single nucleotide variant.
Coding change: c.2080T>C on transcript NM_014244.5 (MANE Select); coding-DNA position 2080, T replaced by C.
Protein change: p.Cys694Arg; replaces cysteine 694 with arginine.
Molecular consequence: missense variant.
Genome position (GRCh38, 1-based): chr5:179,135,914, A>G on the plus strand (T>C on the coding strand, the complement: ADAMTS2 is on the minus strand). VCF-style: chr5-179135914-A-G. GRCh37 (hg19) VCF-style: chr5-178562915-A-G.
Other names: short protein forms C694R.
Identifiers: ClinVar variation 643366 (VCV000643366.6), dbSNP rs1581145754, ClinGen allele CA362425365.
Genomic context (GRCh38, chr5:179,135,914, plus strand): 5'-CCAGGAAGCTGAGACTTGACACGGTAGCCCCCCGTGCCGGCCTCTGTGTACTCACCCTGC[A>G]GTCCCCGCGCACACAGAGGCTGAAGGCGTCCTTGTAGGAGCAGCGCGTCCCGTCATGCAC-3'
Protein context (NP_055059.2, residues 684-704): DAFSLCVRGD[Cys694Arg]RKVGCDGVIG

ClinVar aggregate classification (germline): Uncertain significance (1 of 4 stars; one submission).

Conditions:
Ehlers-Danlos syndrome, dermatosparaxis type. Also called: Ehlers-Danlos syndrome, type VII, autosomal recessive; Dermatosparaxis; EDS VIIC. Identifiers: Orphanet 1901, MedGen C2700425, MONDO:0009161, OMIM 225410.

Submission:

Labcorp Genetics (formerly Invitae), Labcorp
Classification: Uncertain significance for Ehlers-Danlos syndrome, dermatosparaxis type. Last evaluated: 2021-08-31. Review status: criteria provided, single submitter. Criteria: Invitae Variant Classification Sherloc (09022015). Collection method: clinical testing. Allele origin: germline.
Comment: This sequence change replaces cysteine with arginine at codon 694 of the ADAMTS2 protein (p.Cys694Arg). The cysteine residue is highly conserved and there is a large physicochemical difference between cysteine and arginine. This variant is not present in population databases (ExAC no frequency). This variant has not been reported in the literature in individuals affected with ADAMTS2-related conditions. Algorithms developed to predict the effect of missense changes on protein structure and function are either unavailable or do not agree on the potential impact of this missense change (SIFT: "Deleterious"; PolyPhen-2: "Benign"; Align-GVGD: "Class C65"). In summary, the available evidence is currently insufficient to determine the role of this variant in disease. Therefore, it has been classified as a Variant of Uncertain Significance.